The following is an entry in ClinVar:

ClinVar aggregate classification (germline): Conflicting classifications of pathogenicity. Review status: criteria provided, conflicting classifications (1 of 4 stars). 4 submissions from 4 submitters: Uncertain significance (3); Likely benign (1). Last evaluated 2026-05-26.

Conditions:
Hereditary cancer-predisposing syndrome. Also called: Tumor predisposition; Hereditary neoplastic syndrome; Neoplastic Syndromes, Hereditary; Hereditary Cancer Syndrome. Identifiers: Orphanet 140162, MedGen C0027672, MeSH D009386, MONDO:0015356.
Familial cancer of breast. Also called: hereditary breast carcinoma; Hereditary breast cancer; BREAST CANCER, FAMILIAL. Identifiers: Orphanet 227535, MedGen C0346153, MONDO:0016419, OMIM 114480. Disease mechanism: loss of function.
Hereditary breast ovarian cancer syndrome. Also called: BRCA1- and BRCA2-Associated Hereditary Breast and Ovarian Cancer; Hereditary breast and/or ovarian cancer syndrome; Hereditary breast and ovarian cancer; Hereditary breast and ovarian cancer syndrome (HBOC); Breast and ovarian cancer; Hereditary breast and ovarian cancer syndrome. Identifiers: Orphanet 145, MedGen C0677776, MeSH D061325, MONDO:0003582. Disease mechanism: loss of function.

Submissions (4):

Ambry Genetics
Classification: Likely benign for Hereditary cancer-predisposing syndrome. Last evaluated: 2026-05-26. Review status: criteria provided, single submitter. Criteria: Ambry Variant Classification Scheme 2023. Collection method: clinical testing. Allele origin: germline.

Labcorp Genetics (formerly Invitae), Labcorp
Classification: Uncertain significance for Hereditary breast ovarian cancer syndrome. Last evaluated: 2024-09-08. Review status: criteria provided, single submitter. Criteria: Invitae Variant Classification Sherloc (09022015). Collection method: clinical testing. Allele origin: germline.
Comment: This sequence change replaces isoleucine, which is neutral and non-polar, with leucine, which is neutral and non-polar, at codon 2672 of the BRCA2 protein (p.Ile2672Leu). This variant is not present in population databases (gnomAD no frequency). This variant has not been reported in the literature in individuals affected with BRCA2-related conditions. ClinVar contains an entry for this variant (Variation ID: 531294). Invitae Evidence Modeling of protein sequence and biophysical properties (such as structural, functional, and spatial information, amino acid conservation, physicochemical variation, residue mobility, and thermodynamic stability) indicates that this missense variant is not expected to disrupt BRCA2 protein function with a negative predictive value of 95%. In summary, the available evidence is currently insufficient to determine the role of this variant in disease. Therefore, it has been classified as a Variant of Uncertain Significance.

Baylor Genetics
Classification: Uncertain significance for Familial cancer of breast. Last evaluated: 2024-02-20. Review status: criteria provided, single submitter. Criteria: ACMG Guidelines, 2015. Collection method: clinical testing. Allele origin: unknown.

Color Diagnostics, LLC DBA Color Health
Classification: Uncertain significance for Hereditary cancer-predisposing syndrome. Last evaluated: 2019-06-28. Review status: criteria provided, single submitter. Criteria: ACMG Guidelines, 2015. Collection method: clinical testing. Allele origin: germline.

Literature cited by the submitters: PubMed 39779848 (cited by Ambry Genetics); PubMed 39779857 (cited by Ambry Genetics).

NM_000059.4(BRCA2):c.8014A>C (p.Ile2672Leu)

Gene: BRCA2 (BRCA2 DNA repair associated; plus strand). Cytogenetic location: 13q13.1.
Variant type: single nucleotide variant.
Coding change: c.8014A>C on transcript NM_000059.4 (MANE Select); coding-DNA position 8014, A replaced by C.
Protein change: p.Ile2672Leu; replaces isoleucine 2672 with leucine.
Molecular consequence: missense variant.
Genome position (GRCh38, 1-based): chr13:32,363,216, A>C. VCF-style: chr13-32363216-A-C. GRCh37 (hg19) VCF-style: chr13-32937353-A-C.
Other names: short protein forms I2672L.
Identifiers: ClinVar variation 531294 (VCV000531294.16), dbSNP rs80359037, ClinGen allele CA387748769.
Genomic context (GRCh38, chr13:32,363,216, plus strand): 5'-TGCATTTTTGTTTTCACTTTTAGATATGATACGGAAATTGATAGAAGCAGAAGATCGGCT[A>C]TAAAAAAGATAATGGAAAGGGATGACACAGCTGCAAAAACACTTGTTCTCTGTGTTTCTG-3'
Protein context (NP_000050.3, residues 2662-2682): TEIDRSRRSA[Ile2672Leu]KKIMERDDTA